The following is an entry in ClinVar:

NM_025179.4(PLXNA2):c.2537T>A (p.Leu846His)

Gene: PLXNA2 (plexin A2; minus strand). Cytogenetic location: 1q32.2.
Variant type: single nucleotide variant.
Coding change: c.2537T>A on transcript NM_025179.4 (MANE Select); coding-DNA position 2537, T replaced by A.
Protein change: p.Leu846His; replaces leucine 846 with histidine.
Molecular consequence: missense variant.
Genome position (GRCh38, 1-based): chr1:208,079,309, A>T on the plus strand (T>A on the coding strand, the complement: PLXNA2 is on the minus strand). VCF-style: chr1-208079309-A-T. GRCh37 (hg19) VCF-style: chr1-208252654-A-T.
Other names: short protein forms L846H.
Identifiers: ClinVar variation 3686018 (VCV003686018.2).
Genomic context (GRCh38, chr1:208,079,309, plus strand): 5'-GCAGGACTTACCTCGGTGATTTGAGGGTTGGAGCACTTGACATTGTGGCTGGACCAGTCG[A>T]GCCAGGGGCTGGAAGGGCTGGTACAGTGCTGGTGGAGGGTGCACCTGCGCTCGCCGCTGC-3'
Protein context (NP_079455.3, residues 836-856): QHCTSPSSPW[Leu846His]DWSSHNVKCS

ClinVar aggregate classification (germline): Uncertain significance (1 of 4 stars; one submission).

Submission:

Labcorp Genetics (formerly Invitae), Labcorp
Classification: Uncertain significance. Last evaluated: 2024-11-27. Review status: criteria provided, single submitter. Criteria: Invitae Variant Classification Sherloc (09022015). Collection method: clinical testing. Allele origin: germline.
Comment: This sequence change replaces leucine, which is neutral and non-polar, with histidine, which is basic and polar, at codon 846 of the PLXNA2 protein (p.Leu846His). This variant is not present in population databases (gnomAD no frequency). This variant has not been reported in the literature in individuals affected with PLXNA2-related conditions. An algorithm developed to predict the effect of missense changes on protein structure and function (PolyPhen-2) suggests that this variant is likely to be disruptive. In summary, the available evidence is currently insufficient to determine the role of this variant in disease. Therefore, it has been classified as a Variant of Uncertain Significance.